The following is an entry in ClinVar:

NM_001999.4(FBN2):c.827A>T (p.Asp276Val)

Gene: FBN2 (fibrillin 2; minus strand). Cytogenetic location: 5q23.3.
Variant type: single nucleotide variant.
Coding change: c.827A>T on transcript NM_001999.4 (MANE Select); coding-DNA position 827, A replaced by T.
Protein change: p.Asp276Val; replaces aspartic acid 276 with valine.
Molecular consequence: missense variant.
Genome position (GRCh38, 1-based): chr5:128,446,606, T>A on the plus strand (A>T on the coding strand, the complement: FBN2 is on the minus strand). VCF-style: chr5-128446606-T-A. GRCh37 (hg19) VCF-style: chr5-127782299-T-A.
Other names: short protein forms D276V.
Identifiers: ClinVar variation 1762716 (VCV001762716.2), dbSNP rs753696462, ClinGen allele CA3395970.

ClinVar aggregate classification (germline): Uncertain significance (1 of 4 stars; one submission).

Conditions:
Familial thoracic aortic aneurysm and aortic dissection (TAAD). Also called: Thoracic aortic aneurysms and dissections. Identifiers: Orphanet 91387, MedGen C4707243, MONDO:0019625.

Allele frequency attached by ClinVar (database versions not stated): gnomAD exomes below 0.00001; ExAC 0.00001; gnomAD 0.00001; TOPMed 0.00001.
gnomAD v4.1: 2 of 1,613,454 alleles (0.00012%); highest among the groups gnomAD compares: African/African-American, 0.0027%; no homozygotes.

Submission:

Ambry Genetics
Classification: Uncertain significance for Familial thoracic aortic aneurysm and aortic dissection. Last evaluated: 2022-05-12. Review status: criteria provided, single submitter. Criteria: Ambry Variant Classification Scheme 2023. Collection method: clinical testing. Allele origin: germline.
Comment: The p.D276V variant (also known as c.827A>T) is located in coding exon 7 of the FBN2 gene. The aspartic acid at codon 276 is replaced by valine, an amino acid with highly dissimilar properties. This change occurs in the first base pair of coding exon 7. This amino acid position is highly conserved in available vertebrate species. In addition, this alteration is predicted to be deleterious by in silico analysis. Since supporting evidence is limited at this time, the clinical significance of this alteration remains unclear.